The following is an entry in ClinVar:

ClinVar aggregate classification (germline): Likely pathogenic (1 of 4 stars; one submission).

Conditions:
PKD1-related disorder. Also called: PKD1-related condition.

Submission:

PreventionGenetics, part of Exact Sciences
Classification: Likely pathogenic for PKD1-related condition. Last evaluated: 2025-03-14. Review status: criteria provided, single submitter. Criteria: ACMG Guidelines, 2015. Collection method: clinical testing. Allele origin: germline.
Comment: The PKD1 c.11607dupG variant is predicted to result in a frameshift and premature protein termination (p.Arg3870Alafs*91). To our knowledge, this variant has not been reported in the literature or in a large population database (gnomAD), indicating this variant is rare. Frameshift variants in PKD1 are expected to be pathogenic. This variant is interpreted as likely pathogenic.

NM_001009944.3(PKD1):c.11607dup (p.Arg3870fs)

Genes: PKD1 (polycystin 1, transient receptor potential channel interacting; minus strand), PKD1-AS1 (PKD1 antisense RNA 1; plus strand). Cytogenetic location: 16p13.3.
Variant type: Duplication.
Coding change: c.11607dup on transcript NM_001009944.3 (MANE Select); coding-DNA position 11607, one base duplicated (G; older notation c.11607dupG).
Protein change: p.Arg3870fs; shifts the reading frame from arginine 3870.
Molecular consequence: frameshift variant. On other transcripts: non-coding transcript variant (1).
Genome position (GRCh38, 1-based): chr16:2,091,528, C duplicated on the plus strand (G on the coding strand, the reverse complement: PKD1 is on the minus strand). VCF-style (leftmost placement, unchanged base first): chr16-2091527-G-GC. GRCh37 (hg19) VCF-style: chr16-2141528-G-GC.
Other names: c.11604dup, p.Arg3869fs (NM_000296.4); c.11607dupG (NM_001009944.2); short protein forms R3869fs, R3870fs.
Identifiers: ClinVar variation 5001661 (VCV005001661.1).